The following is an entry in ClinVar:

NM_000507.4(FBP1):c.306C>T (p.His102=)

Gene: FBP1 (fructose-bisphosphatase 1; minus strand). Cytogenetic location: 9q22.32.
Variant type: single nucleotide variant.
Coding change: c.306C>T on transcript NM_000507.4 (MANE Select); coding-DNA position 306, C replaced by T.
Protein change: p.His102=; no amino-acid change (histidine 102 retained).
Molecular consequence: synonymous variant.
Genome position (GRCh38, 1-based): chr9:94,620,356, G>A on the plus strand (C>T on the coding strand, the complement: FBP1 is on the minus strand). VCF-style: chr9-94620356-G-A. GRCh37 (hg19) VCF-style: chr9-97382638-G-A.
Other names: c.306C>T, p.His102= (NM_001127628.2).
Identifiers: ClinVar variation 715417 (VCV000715417.10), dbSNP rs776366063, ClinGen allele CA5136297.

ClinVar aggregate classification (germline): Likely benign. Review status: criteria provided, single submitter (1 of 4 stars). 2 submissions from 2 submitters: Likely benign (1). 1 of the submissions does not count toward it. Last evaluated 2024-03-11.

Conditions:
Fructose-biphosphatase deficiency (FBP1D). Also called: Fructose 1,6 Bisphosphatase Deficiency; Fructose-1,6-Bisphosphatase 1 Deficiency; Fructose-1,6-Diphosphatase Deficiency. Identifiers: Orphanet 348, MedGen C0016756, MONDO:0009251, OMIM 229700.
FBP1-related disorder. Also called: FBP1-related condition.

Allele frequency attached by ClinVar (database versions not stated): gnomAD 0.00003 and 0.00002; gnomAD exomes 0.00003 and 0.00005; TOPMed 0.00002; ExAC 0.00002.
gnomAD v4.1: 43 of 1,614,080 alleles (0.0027%); highest among the groups gnomAD compares: Admixed American, 0.023%; no homozygotes.

Submissions (2):

Labcorp Genetics (formerly Invitae), Labcorp
Classification: Likely benign for Fructose-biphosphatase deficiency. Last evaluated: 2024-03-11. Review status: criteria provided, single submitter. Criteria: Invitae Variant Classification Sherloc (09022015). Collection method: clinical testing. Allele origin: germline.

PreventionGenetics, part of Exact Sciences
Classification: Likely benign for FBP1-related condition. Last evaluated: 2024-09-24. Review status: no assertion criteria provided. Collection method: clinical testing. Allele origin: germline. Not counted in ClinVar's aggregate classification.
Comment: This variant is classified as likely benign based on ACMG/AMP sequence variant interpretation guidelines (Richards et al. 2015 PMID: 25741868, with internal and published modifications).